The following is an entry in ClinVar:

NM_006015.6(ARID1A):c.1826G>A (p.Gly609Glu)

Gene: ARID1A (AT-rich interaction domain 1A; plus strand). Cytogenetic location: 1p36.11.
Variant type: single nucleotide variant.
Coding change: c.1826G>A on transcript NM_006015.6 (MANE Select); coding-DNA position 1826, G replaced by A.
Protein change: p.Gly609Glu; replaces glycine 609 with glutamic acid.
Molecular consequence: missense variant.
Genome position (GRCh38, 1-based): chr1:26,732,698, G>A. VCF-style: chr1-26732698-G-A. GRCh37 (hg19) VCF-style: chr1-27059189-G-A.
Other names: c.1826G>A, p.Gly609Glu (NM_139135.4); short protein forms G609E.
Identifiers: ClinVar variation 3344850 (VCV003344850.1).

ClinVar aggregate classification (germline): Uncertain significance (0 of 4 stars; one submission).

Conditions:
ARID1A-related disorder. Also called: ARID1A-related condition.

Submission:

PreventionGenetics, part of Exact Sciences
Classification: Uncertain significance for ARID1A-related condition. Last evaluated: 2024-05-23. Review status: no assertion criteria provided. Collection method: clinical testing. Allele origin: germline.
Comment: The ARID1A c.1826G>A variant is predicted to result in the amino acid substitution p.Gly609Glu. To our knowledge, this variant has not been reported in the literature or in a large population database, indicating this variant is rare. At this time, the clinical significance of this variant is uncertain due to the absence of conclusive functional and genetic evidence.